The following is an entry in ClinVar:

NM_001365276.2(TNXB):c.2585G>A (p.Arg862His)

Gene: TNXB (tenascin XB; minus strand). Cytogenetic location: 6p21.33.
Variant type: single nucleotide variant.
Coding change: c.2585G>A on transcript NM_001365276.2 (MANE Select); coding-DNA position 2585, G replaced by A.
Protein change: p.Arg862His; replaces arginine 862 with histidine.
Molecular consequence: missense variant.
Genome position (GRCh38, 1-based): chr6:32,088,979, C>T on the plus strand (G>A on the coding strand, the complement: TNXB is on the minus strand). VCF-style: chr6-32088979-C-T. GRCh37 (hg19) VCF-style: chr6-32056756-C-T.
Other names: p.Arg862His; c.2585G>A, p.Arg862His (NM_019105.8); short protein forms R862H.
Identifiers: ClinVar variation 1793424 (VCV001793424.5), dbSNP rs552641745, ClinGen allele CA3735451.
Genomic context (GRCh38, chr6:32,088,979, plus strand): 5'-ACCCTCTGGTTGCCGGCACTGACGTAGGACACCACAAATCGGTCCACCTCAGCCTGGGGA[C>T]GCAGCCAGCCAAGCTCCAGTGTTGTCGGTGTCACAGCCACCACTCGGAGGTCCTGGGGCC-3'
Protein context (NP_001352205.1, residues 852-872): TPTTLELGWL[Arg862His]PQAEVDRFVV

ClinVar aggregate classification (germline): Uncertain significance. Review status: criteria provided, multiple submitters, no conflicts (2 of 4 stars). 3 submissions from 3 submitters: Uncertain significance (3). Last evaluated 2025-07-17.

Conditions:
Cardiovascular phenotype. Identifiers: MedGen CN230736.

Allele frequency attached by ClinVar (database versions not stated): TOPMed 0.00003; ExAC 0.00004; 1000 Genomes Project 0.00020; gnomAD 0.00002; 1000 Genomes Project 30x 0.00016; gnomAD exomes 0.00002.
gnomAD v4.1: 31 of 1,610,888 alleles (0.0019%); highest among the groups gnomAD compares: Middle Eastern, 0.017%; no homozygotes.

Submissions (3):

Mayo Clinic Laboratories, Mayo Clinic
Classification: Uncertain significance. Last evaluated: 2025-07-17. Review status: criteria provided, single submitter. Criteria: ACMG Guidelines, 2015. Collection method: clinical testing. Allele origin: germline. Observed: 1 variant allele.
Comment: BP4

Women's Health and Genetics/Laboratory Corporation of America, LabCorp
Classification: Uncertain significance. Last evaluated: 2025-03-21. Review status: criteria provided, single submitter. Criteria: LabCorp Variant Classification Summary - May 2015. Collection method: clinical testing. Allele origin: germline.
Comment: Variant summary: TNXB c.2585G>A (p.Arg862His) results in a non-conservative amino acid change located in the Fibronectin type III domain (IPR003961) of the encoded protein sequence. Three of five in-silico tools predict a damaging effect of the variant on protein function. The variant allele was found at a frequency of 2e-05 in 245956 control chromosomes. The available data on variant occurrences in the general population are insufficient to allow any conclusion about variant significance. To our knowledge, no occurrence of c.2585G>A in individuals affected with Ehlers-Danlos syndrome due to tenascin-X deficiency and no experimental evidence demonstrating its impact on protein function have been reported. ClinVar contains an entry for this variant (Variation ID: 1793424). Based on the evidence outlined above, the variant was classified as uncertain significance.

Ambry Genetics
Classification: Uncertain significance for Cardiovascular phenotype. Last evaluated: 2024-11-10. Review status: criteria provided, single submitter. Criteria: Ambry Variant Classification Scheme 2023. Collection method: clinical testing. Allele origin: germline.
Comment: The p.R862H variant (also known as c.2585G>A), located in coding exon 5 of the TNXB gene, results from a G to A substitution at nucleotide position 2585. The arginine at codon 862 is replaced by histidine, an amino acid with highly similar properties. This amino acid position is well conserved in available vertebrate species. In addition, this alteration is predicted to be tolerated by in silico analysis. Since supporting evidence is limited at this time, the clinical significance of this alteration remains unclear.